The following is an entry in ClinVar:

ClinVar aggregate classification (germline): Likely pathogenic. Review status: criteria provided, multiple submitters, no conflicts (2 of 4 stars). 2 submissions from 2 submitters: Likely pathogenic (2). Last evaluated 2024-11-09.

Conditions:
Glutaric aciduria, type 1. Also called: Glutaric Acidemia Type 1; GA I; Glutaryl-CoA dehydrogenase deficiency; Glutaric acidemia type I; Glutaricacidemia Type 1; Glutaricaciduria, type I. Identifiers: Orphanet 25, MedGen C0268595, MONDO:0009281, OMIM 231670.

Allele frequency attached by ClinVar (database versions not stated): gnomAD exomes below 0.00001; TOPMed below 0.00001.
gnomAD v4.1: 1 of 1,610,502 alleles (0.000062%); highest among the groups gnomAD compares: Non-Finnish European, 0.000085%; no homozygotes.

Submissions (2):

Natera, Inc.
Classification: Likely pathogenic for Glutaric acidemia type 1. Last evaluated: 2024-11-09. Review status: criteria provided, single submitter. Criteria: Natera Variant Classification Schema (03/2026). Collection method: clinical testing. Allele origin: germline.
Comment: The c.852+1G>A variant in GCDH is a canonical splice donor site variant predicted to affect pre-mRNA splicing, which may result in an abnormal transcript and altered protein product. This variant is expected to result in nonsense mediated decay, truncation, or a dysfunctional protein product. This variant is rare in the general population with a frequency below the threshold expected for the associated phenotype(s). Given the available evidence, this variant is classified as Likely Pathogenic.

Labcorp Genetics (formerly Invitae), Labcorp
Classification: Likely pathogenic for Glutaric aciduria, type 1. Last evaluated: 2022-01-05. Review status: criteria provided, single submitter. Criteria: Invitae Variant Classification Sherloc (09022015). Collection method: clinical testing. Allele origin: germline.
Comment: In summary, the currently available evidence indicates that the variant is pathogenic, but additional data are needed to prove that conclusively. Therefore, this variant has been classified as Likely Pathogenic. Algorithms developed to predict the effect of sequence changes on RNA splicing suggest that this variant may disrupt the consensus splice site. ClinVar contains an entry for this variant (Variation ID: 963997). This variant has not been reported in the literature in individuals affected with GCDH-related conditions. This variant is present in population databases (no rsID available, gnomAD 0.0009%). This sequence change affects a donor splice site in intron 8 of the GCDH gene. It is expected to disrupt RNA splicing. Variants that disrupt the donor or acceptor splice site typically lead to a loss of protein function (PMID: 16199547), and loss-of-function variants in GCDH are known to be pathogenic (PMID: 10699052, 11854167, 16602100).

Literature cited by the submitters: PubMed 16199547 (cited by Labcorp Genetics (formerly Invitae), Labcorp); PubMed 10699052 (cited by Labcorp Genetics (formerly Invitae), Labcorp); PubMed 11854167 (cited by Labcorp Genetics (formerly Invitae), Labcorp); PubMed 16602100 (cited by Labcorp Genetics (formerly Invitae), Labcorp).

NM_000159.4(GCDH):c.852+1G>A

Gene: GCDH (glutaryl-CoA dehydrogenase; plus strand). Cytogenetic location: 19p13.13.
Variant type: single nucleotide variant.
Coding change: c.852+1G>A on transcript NM_000159.4 (MANE Select); the canonical splice donor site of the intron after coding-DNA position 852, G replaced by A.
Molecular consequence: splice donor variant.
Genome position (GRCh38, 1-based): chr19:12,896,422, G>A. VCF-style: chr19-12896422-G-A. GRCh37 (hg19) VCF-style: chr19-13007236-G-A.
Other names: c.852+1G>A (NM_013976.5).
Identifiers: ClinVar variation 963997 (VCV000963997.9), dbSNP rs1367214521, ClinGen allele CA404319211.